The following is an entry in ClinVar:

NM_004350.3(RUNX3):c.-85C>T

Gene: RUNX3 (RUNX family transcription factor 3; minus strand). Cytogenetic location: 1p36.11.
Variant type: single nucleotide variant.
Coding change: c.-85C>T on transcript NM_004350.3 (MANE Select); 85 bases upstream of the start codon, C replaced by T.
Molecular consequence: 5 prime UTR variant. On other transcripts: intron variant (2).
Genome position (GRCh38, 1-based): chr1:24,929,953, G>A on the plus strand (C>T on the coding strand, the complement: RUNX3 is on the minus strand). VCF-style: chr1-24929953-G-A. GRCh37 (hg19) VCF-style: chr1-25256444-G-A.
Other names: c.59-101C>T (NM_001320672.1, NM_001031680.2).
Identifiers: ClinVar variation 2688355 (VCV002688355.2), dbSNP rs71514255, ClinGen allele CA10719601.

ClinVar aggregate classification (germline): Benign (1 of 4 stars; one submission).

Allele frequency attached by ClinVar (database versions not stated): TOPMed 0.45067; 1000 Genomes Project 30x 0.45331; gnomAD 0.45386; 1000 Genomes Project 0.46845; gnomAD exomes 0.56266.

Submission:

Unidad de Genómica Garrahan, Hospital de Pediatría Garrahan
Classification: Benign. Last evaluated: 2024-01-24. Review status: criteria provided, single submitter. Criteria: ACMG Guidelines, 2015. Collection method: clinical testing. Allele origin: germline. Affected: no. Observed: 70 variant alleles.
Comment: This variant is classified as Benign based on local population frequency. This variant was detected in 80% of patients studied by a panel of primary immunodeficiencies. Number of patients: 70. Only high quality variants are reported.